The following is an entry in ClinVar:

ClinVar aggregate classification (germline): Uncertain significance. Review status: criteria provided, multiple submitters, no conflicts (2 of 4 stars). 2 submissions from 2 submitters: Uncertain significance (2). Last evaluated 2026-02-01.

Conditions:
Melanoma, cutaneous malignant, susceptibility to, 5. Also called: Cutaneous malignant melanoma 5. Identifiers: Orphanet 618, MedGen C2751295, MONDO:0013133, OMIM 613099.

Allele frequency attached by ClinVar (database versions not stated): TOPMed 0.00001; gnomAD exomes 0.00001; ExAC 0.00002.
gnomAD v4.1: 10 of 1,613,978 alleles (0.00062%); highest among the groups gnomAD compares: Non-Finnish European, 0.00085%; no homozygotes.

Submissions (2):

Labcorp Genetics (formerly Invitae), Labcorp
Classification: Uncertain significance for Melanoma, cutaneous malignant, susceptibility to, 5. Last evaluated: 2026-02-01. Review status: criteria provided, single submitter. Criteria: Invitae Variant Classification Sherloc (09022015). Collection method: clinical testing. Allele origin: germline.
Comment: This sequence change replaces glutamic acid, which is acidic and polar, with valine, which is neutral and non-polar, at codon 304 of the MC1R protein (p.Glu304Val). This variant is present in population databases (rs754405679, gnomAD 0.003%). This variant has not been reported in the literature in individuals affected with MC1R-related conditions. ClinVar contains an entry for this variant (Variation ID: 2891509). Invitae Evidence Modeling of protein sequence and biophysical properties (such as structural, functional, and spatial information, amino acid conservation, physicochemical variation, residue mobility, and thermodynamic stability) indicates that this missense variant is expected to disrupt MC1R protein function with a positive predictive value of 80%. In summary, the available evidence is currently insufficient to determine the role of this variant in disease. Therefore, it has been classified as a Variant of Uncertain Significance.

Ambry Genetics
Classification: Uncertain significance. Last evaluated: 2024-12-08. Review status: criteria provided, single submitter. Criteria: Ambry Variant Classification Scheme 2023. Collection method: clinical testing. Allele origin: germline.
Comment: The p.E304V variant (also known as c.911A>T), located in coding exon 1 of the MC1R gene, results from an A to T substitution at nucleotide position 911. The glutamic acid at codon 304 is replaced by valine, an amino acid with dissimilar properties. This amino acid position is conserved. In addition, the in silico prediction for this alteration is inconclusive. Based on the available evidence, the clinical significance of this variant remains unclear.

NM_002386.4(MC1R):c.911A>T (p.Glu304Val)

Gene: MC1R (melanocortin 1 receptor; plus strand). Cytogenetic location: 16q24.3.
Variant type: single nucleotide variant.
Coding change: c.911A>T on transcript NM_002386.4 (MANE Select); coding-DNA position 911, A replaced by T.
Protein change: p.Glu304Val; replaces glutamic acid 304 with valine.
Molecular consequence: missense variant.
Genome position (GRCh38, 1-based): chr16:89,920,169, A>T. VCF-style: chr16-89920169-A-T. GRCh37 (hg19) VCF-style: chr16-89986577-A-T.
Other names: c.911A>T (NM_002386.3); short protein forms E304V.
Identifiers: ClinVar variation 2891509 (VCV002891509.4), dbSNP rs754405679, ClinGen allele CA8255810.
Genomic context (GRCh38, chr16:89,920,169, plus strand): 5'-TCGCCCTCATCATCTGCAATGCCATCATCGACCCCCTCATCTACGCCTTCCACAGCCAGG[A>T]GCTCCGCAGGACGCTCAAGGAGGTGCTGACATGCTCCTGGTGAGCGCGGTGCACGCGGCT-3'
Protein context (NP_002377.4, residues 294-314): DPLIYAFHSQ[Glu304Val]LRRTLKEVLT